The following is an entry in ClinVar:

ClinVar aggregate classification (germline): Likely benign. Review status: reviewed by expert panel (3 of 4 stars). 4 submissions from 3 submitters: Likely benign (1). 3 of the submissions do not count toward it. Last evaluated 2025-10-08.

Conditions:
Glaucoma. Identifiers: MedGen C0017601, MONDO:0005041, HP:0000501.
Glaucoma 1, open angle, A (GLC1A). Also called: Glaucoma, Dominant (Juvenile Onset). Identifiers: Orphanet 98977, MedGen C1842028, MONDO:0007664, OMIM 137750.
Open-angle glaucoma. Identifiers: MedGen C0017612, MONDO:0005338, HP:0012108.

Allele frequency attached by ClinVar (database versions not stated): ExAC 0.00002; gnomAD 0.00001 and 0.00002; 1000 Genomes Project 30x 0.00016; TOPMed 0.00002; 1000 Genomes Project 0.00020.

Submissions (4):

ClinGen Glaucoma Variant Curation Expert Panel
Classification: Likely benign for Open-angle glaucoma. Last evaluated: 2025-10-08. Review status: reviewed by expert panel. Criteria: ClinGen Glaucoma ACMG Specifications V2.0.0 Approved. Collection method: curation. Allele origin: germline. Inheritance: Autosomal dominant inheritance.
Comment: The c.473G>A variant in MYOC is a missense variant predicted to cause substitution of Arginine by Glutamine at amino acid 158 (p.Arg158Gln). The highest minor allele frequency of this variant was in the East Asian genetic ancestry group of gnomAD (v4.1.0) = 0.001760, which met the ≥ 0.001 threshold set for BS1 (79 alleles out of 44,878), meeting the threshold of ≥ 5 of at least 2,000 observed alleles). The REVEL score = 0.52, which was neither above nor below the thresholds for PP3 (≥ 0.644) or BP4 (≤ 0.290), predicting a damaging or benign impact on MYOC function. The Arg158Gln protein had similar secretion levels to wild type myocilin protein in these studies (PMIDs: 36267417, 16466712). The assays met the OddsPath threshold for BS3_Moderate (< 0.23), indicating that this variant did not impact protein function. This protein has also been assessed in this other study (PMID: 14688426), however, the same level of evidence was not met. Although probands with juvenile or primary open angle glaucoma have been reported carrying this variant, PM2_Supporting was not met, therefore PS4 did not apply. In summary, this variant met the criteria to receive a score of -6 and to be classified as likely benign (likely benign classification range -2 to -6, adapted from PMID: 32720330) for juvenile open angle glaucoma based on the ACMG/AMP criteria met, as specified by the ClinGen Glaucoma VCEP (v2.0.0, 5 Dec 2024): BS1, BS3_Moderate.

Mendelics
Classification: Benign. Last evaluated: 2023-08-22. Review status: criteria provided, single submitter. Criteria: Mendelics Assertion Criteria 2019. Collection method: clinical testing. Allele origin: germline. Not counted in ClinVar's aggregate classification.

Illumina Laboratory Services, Illumina
Classification: Uncertain significance for Glaucoma. Last evaluated: 2017-04-27. Review status: criteria provided, single submitter. Criteria: ICSL Variant Classification Criteria 13 December 2019. Collection method: clinical testing. Allele origin: germline. Not counted in ClinVar's aggregate classification.
Comment: This variant was observed as part of a predisposition screen in an ostensibly healthy population. A literature search was performed for the gene, cDNA change, and amino acid change (where applicable). Publications were found based on this search. However, the evidence from the literature, in combination with allele frequency data from public databases where available, was not sufficient to rule this variant in or out of causing disease. Therefore, this variant is classified as a variant of unknown significance.

Illumina Laboratory Services, Illumina
Classification: Uncertain significance for Glaucoma 1, open angle, A. Last evaluated: 2017-04-27. Review status: criteria provided, single submitter. Criteria: ICSL Variant Classification Criteria 13 December 2019. Collection method: clinical testing. Allele origin: germline. Not counted in ClinVar's aggregate classification.
Comment: the same text as in the submission from Illumina Laboratory Services, Illumina above.

Literature cited by the submitters: PubMed 14688426 (cited by ClinGen Glaucoma Variant Curation Expert Panel and Illumina Laboratory Services, Illumina); PubMed 36267417 (cited by ClinGen Glaucoma Variant Curation Expert Panel); PubMed 16466712 (cited by ClinGen Glaucoma Variant Curation Expert Panel and Illumina Laboratory Services, Illumina); PubMed 10980537 (cited by Illumina Laboratory Services, Illumina); PubMed 11281418 (cited by Illumina Laboratory Services, Illumina); PubMed 11298682 (cited by Illumina Laboratory Services, Illumina).

NM_000261.2(MYOC):c.473G>A (p.Arg158Gln)

Gene: MYOC (myocilin; minus strand). Cytogenetic location: 1q24.3.
Variant type: single nucleotide variant.
Coding change: c.473G>A on transcript NM_000261.2 (MANE Select); coding-DNA position 473, G replaced by A.
Protein change: p.Arg158Gln; replaces arginine 158 with glutamine.
Molecular consequence: missense variant.
Genome position (GRCh38, 1-based): chr1:171,652,139, C>T on the plus strand (G>A on the coding strand, the complement: MYOC is on the minus strand). VCF-style: chr1-171652139-C-T. GRCh37 (hg19) VCF-style: chr1-171621279-C-T.
Other names: NM_000261.2:c.473G>A; short protein forms R158Q.
Identifiers: ClinVar variation 874204 (VCV000874204.13), dbSNP rs199746824, ClinGen allele CA1244272.